The following is an entry in ClinVar:

NM_001375524.1(TRRAP):c.5499C>A (p.Asp1833Glu)

Gene: TRRAP (transformation/transcription domain associated protein; plus strand). Cytogenetic location: 7q22.1.
Variant type: single nucleotide variant.
Coding change: c.5499C>A on transcript NM_001375524.1 (MANE Select); coding-DNA position 5499, C replaced by A.
Protein change: p.Asp1833Glu; replaces aspartic acid 1833 with glutamic acid.
Molecular consequence: missense variant.
Genome position (GRCh38, 1-based): chr7:98,953,202, C>A. VCF-style: chr7-98953202-C-A. GRCh37 (hg19) VCF-style: chr7-98550825-C-A.
Other names: c.5424C>A (NM_003496.3); c.5478C>A, p.Asp1826Glu (NM_001244580.2); c.5424C>A, p.Asp1808Glu (NM_003496.4); short protein forms D1808E, D1826E, D1833E.
Identifiers: ClinVar variation 2416743 (VCV002416743.7), dbSNP rs373042115, ClinGen allele CA4360593.

ClinVar aggregate classification (germline): Conflicting classifications of pathogenicity. Review status: criteria provided, conflicting classifications (1 of 4 stars). 2 submissions from 2 submitters: Uncertain significance (1); Benign (1). Last evaluated 2025-08-30.

Conditions:
TRRAP-related disorder. Also called: TRRAP-related condition.

Allele frequency attached by ClinVar (database versions not stated): gnomAD 0.00003; ExAC 0.00006; TOPMed 0.00006; ESP Exome Variant Server 0.00008.
gnomAD v4.1: 101 of 1,613,228 alleles (0.0063%); highest among the groups gnomAD compares: Non-Finnish European, 0.0079%; no homozygotes.

Submissions (2):

PreventionGenetics, part of Exact Sciences
Classification: Uncertain significance for TRRAP-related condition. Last evaluated: 2025-08-30. Review status: criteria provided, single submitter. Criteria: ACMG Guidelines, 2015. Collection method: clinical testing. Allele origin: germline.
Comment: The TRRAP c.5424C>A variant is predicted to result in the amino acid substitution p.Asp1808Glu. This variant was reported in an individual with hearing loss, however additional information was not provided (Table S4, Boucher et al. 2020. PubMed ID: 33229591). This variant is reported in 0.0086% of alleles in individuals of European (Non-Finnish) descent in gnomAD. At this time, the clinical significance of this variant is uncertain due to the absence of conclusive functional and genetic evidence.

Labcorp Genetics (formerly Invitae), Labcorp
Classification: Benign. Last evaluated: 2024-11-25. Review status: criteria provided, single submitter. Criteria: Invitae Variant Classification Sherloc (09022015). Collection method: clinical testing. Allele origin: germline.